The following is an entry in ClinVar:

NM_000548.5(TSC2):c.5137C>T (p.Arg1713Cys)

Gene: TSC2 (TSC complex subunit 2; plus strand). Cytogenetic location: 16p13.3.
Variant type: single nucleotide variant.
Coding change: c.5137C>T on transcript NM_000548.5 (MANE Select); coding-DNA position 5137, C replaced by T.
Protein change: p.Arg1713Cys; replaces arginine 1713 with cysteine.
Molecular consequence: missense variant.
Genome position (GRCh38, 1-based): chr16:2,088,116, C>T. VCF-style: chr16-2088116-C-T. GRCh37 (hg19) VCF-style: chr16-2138117-C-T.
Other names: c.4936C>T, p.Arg1646Cys (NM_001077183.3); c.5068C>T, p.Arg1690Cys (NM_001114382.3); c.4828C>T, p.Arg1610Cys (NM_001318827.2); c.4792C>T, p.Arg1598Cys (NM_001318829.2); c.4405C>T, p.Arg1469Cys (NM_001318831.2); c.4969C>T, p.Arg1657Cys (NM_001318832.2); c.4939C>T, p.Arg1647Cys (NM_001363528.2); c.5005C>T, p.Arg1669Cys (NM_001370404.1); and 1 more; short protein forms R1713C, R1598C, R1646C, R1657C, R1669C, R1610C, R1690C, R1469C.
Identifiers: ClinVar variation 406029 (VCV000406029.19), dbSNP rs759420443, ClinGen allele CA054033.

ClinVar aggregate classification (germline): Conflicting classifications of pathogenicity. Review status: criteria provided, conflicting classifications (1 of 4 stars). 4 submissions from 4 submitters: Uncertain significance (3); Likely benign (1). Last evaluated 2025-12-16.

Conditions:
Hereditary cancer-predisposing syndrome. Also called: Neoplastic Syndromes, Hereditary; Tumor predisposition; Hereditary neoplastic syndrome; Hereditary Cancer Syndrome. Identifiers: Orphanet 140162, MedGen C0027672, MeSH D009386, MONDO:0015356.
Lymphangiomyomatosis (LAM). Also called: Lymphangioleiomyomatosis, somatic; Lymphangioleiomyomatosis. Identifiers: Orphanet 538, MedGen C0751674, MONDO:0011705, OMIM 606690.
Isolated focal cortical dysplasia type II (FCORD2). Also called: CORTICAL DYSPLASIA OF TAYLOR; Focal cortical dysplasia type II. Identifiers: Orphanet 268994, MedGen C1846385, MONDO:0011818, OMIM 607341, HP:0032051.
Tuberous sclerosis 2 (TSC2). Identifiers: Orphanet 805, MedGen C1860707, MONDO:0013199, OMIM 613254.

Allele frequency attached by ClinVar (database versions not stated): gnomAD exomes below 0.00001 and 0.00001; ExAC 0.00001; gnomAD 0.00001; TOPMed 0.00001.
gnomAD v4.1: 10 of 1,612,828 alleles (0.00062%); highest among the groups gnomAD compares: African/African-American, 0.0013%; no homozygotes.

Submissions (4):

Ambry Genetics
Classification: Uncertain significance for Hereditary cancer-predisposing syndrome. Last evaluated: 2025-12-16. Review status: criteria provided, single submitter. Criteria: Ambry Variant Classification Scheme 2023. Collection method: clinical testing. Allele origin: germline.
Comment: The p.R1713C variant (also known as c.5137C>T), located in coding exon 39 of the TSC2 gene, results from a C to T substitution at nucleotide position 5137. The arginine at codon 1713 is replaced by cysteine, an amino acid with highly dissimilar properties. This variant has been detected in multiple individuals with no reported features of Tuberous sclerosis complex (Ambry internal data). A variant at the same codon, p.R1713H c.5138G>A, has been identified in individual(s) with features consistent with Tuberous sclerosis complex (Hirfanoglu T et al. Pediatr Neurol, 2010 May;42:343-7; Niemi AK et al. Am J Med Genet A, 2011 Oct;155A:2534-7). This amino acid position is highly conserved in available vertebrate species. In addition, this alteration is predicted to be deleterious by in silico analysis. Based on the available evidence, the clinical significance of this variant remains unclear.

Labcorp Genetics (formerly Invitae), Labcorp
Classification: Likely benign for Tuberous sclerosis 2. Last evaluated: 2025-09-07. Review status: criteria provided, single submitter. Criteria: Invitae Variant Classification Sherloc (09022015). Collection method: clinical testing. Allele origin: germline.

Fulgent Genetics
Classification: Uncertain significance for Lymphangiomyomatosis; Isolated focal cortical dysplasia type II; Tuberous sclerosis 2. Last evaluated: 2024-04-12. Review status: criteria provided, single submitter. Criteria: ACMG Guidelines, 2015. Collection method: clinical testing. Allele origin: germline.

Molecular Pathology, Peter Maccallum Cancer Centre
Classification: Uncertain significance for Tuberous sclerosis 2. Last evaluated: 2024-03-27. Review status: criteria provided, single submitter. Criteria: ACMG Guidelines, 2015. Collection method: clinical testing. Allele origin: germline. Inheritance: Autosomal dominant inheritance.

Literature cited by the submitters: PubMed 20399389 (cited by Ambry Genetics); PubMed 21910228 (cited by Ambry Genetics).